The following is an entry in ClinVar:

NM_016333.4(SRRM2):c.2180C>G (p.Ser727Cys)

Gene: SRRM2 (serine/arginine repetitive matrix 2; plus strand). Cytogenetic location: 16p13.3.
Variant type: single nucleotide variant.
Coding change: c.2180C>G on transcript NM_016333.4 (MANE Select); coding-DNA position 2180, C replaced by G.
Protein change: p.Ser727Cys; replaces serine 727 with cysteine.
Molecular consequence: missense variant.
Genome position (GRCh38, 1-based): chr16:2,762,708, C>G. VCF-style: chr16-2762708-C-G. GRCh37 (hg19) VCF-style: chr16-2812709-C-G.
Other names: short protein forms S727C.
Identifiers: ClinVar variation 2663168 (VCV002663168.1), dbSNP rs140438674, ClinGen allele CA394410731.

ClinVar aggregate classification (germline): Uncertain significance (1 of 4 stars; one submission).

Submission:

GeneDx
Classification: Uncertain significance. Last evaluated: 2023-04-09. Review status: criteria provided, single submitter. Criteria: GeneDx Variant Classification Process June 2021. Collection method: clinical testing. Allele origin: germline. Affected: yes.
Comment: Not observed at significant frequency in large population cohorts (gnomAD); In silico analysis supports that this missense variant has a deleterious effect on protein structure/function; Has not been previously published as pathogenic or benign to our knowledge